The following is an entry in ClinVar:

ClinVar aggregate classification (germline): Uncertain significance (1 of 4 stars; one submission).

Conditions:
Autoimmune interstitial lung disease-arthritis syndrome. Also called: Autoinflammation and autoimmunity, systemic, with immune dysregulation. Identifiers: Orphanet 444092, MedGen C5975714, MONDO:0014629.

Submission:

Labcorp Genetics (formerly Invitae), Labcorp
Classification: Uncertain significance for Autoimmune interstitial lung disease-arthritis syndrome. Last evaluated: 2023-03-01. Review status: criteria provided, single submitter. Criteria: Invitae Variant Classification Sherloc (09022015). Collection method: clinical testing. Allele origin: germline.
Comment: This variant has not been reported in the literature in individuals affected with COPA-related conditions. In summary, the available evidence is currently insufficient to determine the role of this variant in disease. Therefore, it has been classified as a Variant of Uncertain Significance. Experimental studies and prediction algorithms are not available or were not evaluated, and the functional significance of this variant is currently unknown. This variant is not present in population databases (gnomAD no frequency). This sequence change creates a premature translational stop signal (p.Gln1222*) in the COPA gene. While this is not anticipated to result in nonsense mediated decay, it is expected to disrupt the last 3 amino acid(s) of the COPA protein.

NM_004371.4(COPA):c.3664C>T (p.Gln1222Ter)

Gene: COPA (coat protein complex I subunit alpha; minus strand). Cytogenetic location: 1q23.2.
Variant type: single nucleotide variant.
Coding change: c.3664C>T on transcript NM_004371.4 (MANE Select); coding-DNA position 3664, C replaced by T.
Protein change: p.Gln1222Ter; replaces glutamine 1222 with a stop codon.
Molecular consequence: nonsense.
Genome position (GRCh38, 1-based): chr1:160,290,168, G>A on the plus strand (C>T on the coding strand, the complement: COPA is on the minus strand). VCF-style: chr1-160290168-G-A. GRCh37 (hg19) VCF-style: chr1-160259958-G-A.
Other names: c.3691C>T, p.Gln1231Ter (NM_001098398.2); short protein forms Q1222*, Q1231*.
Identifiers: ClinVar variation 2841870 (VCV002841870.3), dbSNP rs2525341575, ClinGen allele CA343268060.